The following is an entry in ClinVar:

NM_001385012.1(NBEA):c.6013-1G>A

Gene: NBEA (neurobeachin; plus strand). Cytogenetic location: 13q13.3.
Variant type: single nucleotide variant.
Coding change: c.6013-1G>A on transcript NM_001385012.1 (MANE Select); the canonical splice acceptor site of the intron before coding-DNA position 6013, G replaced by A.
Molecular consequence: splice acceptor variant.
Genome position (GRCh38, 1-based): chr13:35,352,156, G>A. VCF-style: chr13-35352156-G-A. GRCh37 (hg19) VCF-style: chr13-35926293-G-A.
Other names: c.6013-1G>A (NM_015678.5); c.6004-1G>A (NM_001379245.1).
Identifiers: ClinVar variation 3764594 (VCV003764594.1).
Genomic context (GRCh38, chr13:35,352,156, plus strand): 5'-TCATCCTTACTTATATGCAGTAAAAAGTTTATTATTATGCATCATTTGTATTTCTTTATA[G>A]TCACAGTGTGCCCAATATGCTGCTGATAGAAGAGAGGAAGAAAAGATGTGTGACCATCTT-3'

ClinVar aggregate classification (germline): Likely pathogenic (1 of 4 stars; one submission).

Conditions:
Neurodevelopmental disorder with or without early-onset generalized epilepsy. Identifiers: MedGen C5436914, MONDO:0030930, OMIM 619157.

Submission:

Daryl Scott Lab, Baylor College of Medicine
Classification: Likely pathogenic for Neurodevelopmental disorder with or without early-onset generalized epilepsy. Last evaluated: 2024-01-01. Review status: criteria provided, single submitter. Criteria: ACMG Guidelines, 2015. Collection method: clinical testing. Allele origin: maternal. Affected: yes. Observed: 1 heterozygote.
Comment: PVS1, PM2